The following is an entry in ClinVar:

ClinVar aggregate classification (germline): Uncertain significance. Review status: criteria provided, multiple submitters, no conflicts (2 of 4 stars). 3 submissions from 3 submitters: Uncertain significance (2). 1 of the submissions does not count toward it. Last evaluated 2025-01-26.

Conditions:
DOCK6-related disorder. Also called: DOCK6-related condition.
Inborn genetic diseases. Identifiers: MedGen C0950123, MeSH D030342.

gnomAD v4.1: 22 of 1,580,206 alleles (0.0014%); highest among the groups gnomAD compares: South Asian, 0.023%; no homozygotes.

Submissions (3):

Ambry Genetics
Classification: Uncertain significance for Inborn genetic diseases. Last evaluated: 2025-01-26. Review status: criteria provided, single submitter. Criteria: Ambry Variant Classification Scheme 2023. Collection method: clinical testing. Allele origin: germline.

Labcorp Genetics (formerly Invitae), Labcorp
Classification: Uncertain significance. Last evaluated: 2023-05-16. Review status: criteria provided, single submitter. Criteria: Invitae Variant Classification Sherloc (09022015). Collection method: clinical testing. Allele origin: germline.
Comment: In summary, the available evidence is currently insufficient to determine the role of this variant in disease. Therefore, it has been classified as a Variant of Uncertain Significance. Advanced modeling of protein sequence and biophysical properties (such as structural, functional, and spatial information, amino acid conservation, physicochemical variation, residue mobility, and thermodynamic stability) performed at Invitae indicates that this missense variant is not expected to disrupt DOCK6 protein function. This variant has not been reported in the literature in individuals affected with DOCK6-related conditions. This variant is present in population databases (rs753109339, gnomAD 0.02%). This sequence change replaces valine, which is neutral and non-polar, with leucine, which is neutral and non-polar, at codon 784 of the DOCK6 protein (p.Val784Leu).

PreventionGenetics, part of Exact Sciences
Classification: Uncertain significance for DOCK6-related condition. Last evaluated: 2023-10-30. Review status: no assertion criteria provided. Collection method: clinical testing. Allele origin: germline. Not counted in ClinVar's aggregate classification.
Comment: The DOCK6 c.2350G>C variant is predicted to result in the amino acid substitution p.Val784Leu. To our knowledge, this variant has not been reported in the literature. This variant is reported in 0.024% of alleles in individuals of South Asian descent in gnomAD. At this time, the clinical significance of this variant is uncertain due to the absence of conclusive functional and genetic evidence.

NM_020812.4(DOCK6):c.2350G>C (p.Val784Leu)

Gene: DOCK6 (dedicator of cytokinesis 6; minus strand). Cytogenetic location: 19p13.2.
Variant type: single nucleotide variant.
Coding change: c.2350G>C on transcript NM_020812.4 (MANE Select); coding-DNA position 2350, G replaced by C.
Protein change: p.Val784Leu; replaces valine 784 with leucine.
Molecular consequence: missense variant.
Genome position (GRCh38, 1-based): chr19:11,236,388, C>G on the plus strand (G>C on the coding strand, the complement: DOCK6 is on the minus strand). VCF-style: chr19-11236388-C-G. GRCh37 (hg19) VCF-style: chr19-11347064-C-G.
Other names: c.2350G>C (NM_020812.2, NM_020812.3); c.2350G>C, p.Val784Leu (NM_001367830.1); short protein forms V784L.
Identifiers: ClinVar variation 2999172 (VCV002999172.6), dbSNP rs753109339, ClinGen allele CA9207660.